The following is an entry in ClinVar:

NM_014989.7(RIMS1):c.4490A>G (p.Tyr1497Cys)

Genes: RIMS1 (regulating synaptic membrane exocytosis 1; plus strand), LOC129389554 (MPRA-validated peak5890 silencer; plus strand). Cytogenetic location: 6q13.
Variant type: single nucleotide variant.
Coding change: c.4490A>G on transcript NM_014989.7 (MANE Select); coding-DNA position 4490, A replaced by G.
Protein change: p.Tyr1497Cys; replaces tyrosine 1497 with cysteine.
Molecular consequence: missense variant.
Genome position (GRCh38, 1-based): chr6:72,390,721, A>G. VCF-style: chr6-72390721-A-G. GRCh37 (hg19) VCF-style: chr6-73100423-A-G.
Other names: c.2411A>G, p.Tyr804Cys (NM_001350414.2); c.2507A>G, p.Tyr836Cys (NM_001350415.2); c.2456A>G, p.Tyr819Cys (NM_001350416.2); c.1937A>G, p.Tyr646Cys (NM_001350417.2); c.2429A>G, p.Tyr810Cys (NM_001350418.2); c.1709A>G, p.Tyr570Cys (NM_001350419.2); c.2564A>G, p.Tyr855Cys (NM_001350420.2); c.2309A>G, p.Tyr770Cys (NM_001350421.2); and 54 more; short protein forms Y24C, Y591C, Y606C, Y631C, Y633C, Y706C, Y737C, Y764C.
Identifiers: ClinVar variation 2052045 (VCV002052045.4), dbSNP rs1263805887, ClinGen allele CA364819254.
Genomic context (GRCh38, chr6:72,390,721, plus strand): 5'-AAATGAGAAAGATGGTAAGGCAGCCGAGCCGAGAGTCTACTGATGGCAGCATCAACAGTT[A>G]CAGCTCTGAGGGCAAGTAAGTGCTGTCAGCACGTCTGCATGGCTGTGGAACCAGGAATTG-3'
Protein context (NP_055804.2, residues 1487-1507): RESTDGSINS[Tyr1497Cys]SSEGNLIFPG

ClinVar aggregate classification (germline): Uncertain significance (1 of 4 stars; one submission).

Allele frequency attached by ClinVar (database versions not stated): gnomAD 0.00001.
gnomAD v4.1: 1 of 1,613,774 alleles (0.000062%); highest among the groups gnomAD compares: Non-Finnish European, 0.000085%; no homozygotes.

Submission:

Labcorp Genetics (formerly Invitae), Labcorp
Classification: Uncertain significance. Last evaluated: 2022-06-22. Review status: criteria provided, single submitter. Criteria: Invitae Variant Classification Sherloc (09022015). Collection method: clinical testing. Allele origin: germline.
Comment: In summary, the available evidence is currently insufficient to determine the role of this variant in disease. Therefore, it has been classified as a Variant of Uncertain Significance. Algorithms developed to predict the effect of missense changes on protein structure and function are either unavailable or do not agree on the potential impact of this missense change (SIFT: "Deleterious"; PolyPhen-2: "Probably Damaging"; Align-GVGD: "Class C0"). This variant has not been reported in the literature in individuals affected with RIMS1-related conditions. This variant is present in population databases (no rsID available, gnomAD 0.007%). This sequence change replaces tyrosine, which is neutral and polar, with cysteine, which is neutral and slightly polar, at codon 1497 of the RIMS1 protein (p.Tyr1497Cys).